The following is an entry in ClinVar:

ClinVar aggregate classification (germline): Pathogenic (1 of 4 stars; one submission).

Conditions:
Retinoblastoma (RB1). Also called: RETINOBLASTOMA, SOMATIC. Identifiers: Orphanet 790, MedGen C0035335, MeSH D012175, MONDO:0008380, OMIM 180200, HP:0009919. Disease mechanism: loss of function. Inheritance: Both sporadic and heritable forms are tested..

Submission:

Labcorp Genetics (formerly Invitae), Labcorp
Classification: Pathogenic for Retinoblastoma. Last evaluated: 2023-04-09. Review status: criteria provided, single submitter. Criteria: Invitae Variant Classification Sherloc (09022015). Collection method: clinical testing. Allele origin: germline.
Comment: This variant has not been reported in the literature in individuals affected with RB1-related conditions. This sequence change creates a premature translational stop signal (p.Ser37Lysfs*12) in the RB1 gene. It is expected to result in an absent or disrupted protein product. Loss-of-function variants in RB1 are known to be pathogenic (PMID: 17096365). This variant is not present in population databases (gnomAD no frequency). For these reasons, this variant has been classified as Pathogenic.

Literature cited by the submitters: PubMed 17096365.

NM_000321.3(RB1):c.109dup (p.Ser37fs)

Gene: RB1 (RB transcriptional corepressor 1; plus strand). Cytogenetic location: 13q14.2.
Variant type: Duplication.
Coding change: c.109dup on transcript NM_000321.3 (MANE Select); coding-DNA position 109, one base duplicated (A; older notation c.109dupA).
Protein change: p.Ser37fs; shifts the reading frame from serine 37.
Molecular consequence: frameshift variant.
Genome position (GRCh38, 1-based): chr13:48,304,021, A duplicated. VCF-style (leftmost placement, unchanged base first): chr13-48304020-C-CA. GRCh37 (hg19) VCF-style: chr13-48878156-C-CA.
Other names: c.109dup, p.Ser37fs (NM_001407165.1, NM_001407166.1, NM_001407167.1); short protein forms S37fs.
Identifiers: ClinVar variation 2854117 (VCV002854117.3), dbSNP rs2542094345, ClinGen allele CA2739277672.